The following is an entry in ClinVar:

NC_000017.10:g.(?_14110107)_(14110530_?)dup

Gene: COX10 (cytochrome c oxidase assembly factor heme A:farnesyltransferase COX10; plus strand). Cytogenetic location: 17p12.
Variant type: Duplication.
Identifiers: ClinVar variation 1410415 (VCV001410415.4).

ClinVar aggregate classification (germline): Uncertain significance (1 of 4 stars; one submission).

Submission:

Labcorp Genetics (formerly Invitae), Labcorp
Classification: Uncertain significance. Last evaluated: 2022-10-24. Review status: criteria provided, single submitter. Criteria: Invitae Variant Classification Sherloc (09022015). Collection method: clinical testing. Allele origin: germline.
Comment: This variant results in a copy number gain of the genomic region encompassing exon(s) 7 of the COX10 gene. This region includes the termination codon of the gene. This copy number gain extends beyond the assayed region for this gene and therefore may encompass additional genes. As the precise location of this event is unknown, it may be in tandem or it may be located elsewhere in the genome. This variant has not been reported in the literature in individuals affected with COX10-related conditions. Experimental studies and prediction algorithms are not available or were not evaluated, and the functional significance of this variant is currently unknown. In summary, the available evidence is currently insufficient to determine the role of this variant in disease. Therefore, it has been classified as a Variant of Uncertain Significance.